The following is an entry in ClinVar:

ClinVar aggregate classification (germline): Uncertain significance (1 of 4 stars; one submission).

Conditions:
Familial cancer of breast. Also called: hereditary breast carcinoma; BREAST CANCER, FAMILIAL; Hereditary breast cancer. Identifiers: Orphanet 227535, MedGen C0346153, MONDO:0016419, OMIM 114480. Disease mechanism: loss of function.

gnomAD v4.1: 1 of 1,558,426 alleles (0.000064%); highest among the groups gnomAD compares: Non-Finnish European, 0.000088%; no homozygotes.

Submission:

Labcorp Genetics (formerly Invitae), Labcorp
Classification: Uncertain significance for Familial cancer of breast. Last evaluated: 2022-06-16. Review status: criteria provided, single submitter. Criteria: Invitae Variant Classification Sherloc (09022015). Collection method: clinical testing. Allele origin: germline.
Comment: In summary, the available evidence is currently insufficient to determine the role of this variant in disease. Therefore, it has been classified as a Variant of Uncertain Significance. Algorithms developed to predict the effect of missense changes on protein structure and function are either unavailable or do not agree on the potential impact of this missense change (SIFT: "Tolerated"; PolyPhen-2: "Probably Damaging"; Align-GVGD: "Class C0"). This variant has not been reported in the literature in individuals affected with CHEK2-related conditions. This variant is not present in population databases (gnomAD no frequency). This sequence change replaces proline, which is neutral and non-polar, with leucine, which is neutral and non-polar, at codon 283 of the CHEK2 protein (p.Pro283Leu).

NM_007194.4(CHEK2):c.848C>T (p.Pro283Leu)

Gene: CHEK2 (checkpoint kinase 2; minus strand). Cytogenetic location: 22q12.1.
Variant type: single nucleotide variant.
Coding change: c.848C>T on transcript NM_007194.4 (MANE Select); coding-DNA position 848, C replaced by T.
Protein change: p.Pro283Leu; replaces proline 283 with leucine.
Molecular consequence: missense variant.
Genome position (GRCh38, 1-based): chr22:28,703,565, G>A on the plus strand (C>T on the coding strand, the complement: CHEK2 is on the minus strand). VCF-style: chr22-28703565-G-A. GRCh37 (hg19) VCF-style: chr22-29099553-G-A.
Other names: c.977C>T, p.Pro326Leu (NM_001005735.3); c.185C>T, p.Pro62Leu (NM_001257387.3); c.647C>T, p.Pro216Leu (NM_001349956.3); c.848C>T, p.Pro283Leu (NM_145862.3); short protein forms P283L, P62L, P326L, P216L.
Identifiers: ClinVar variation 2115104 (VCV002115104.4), dbSNP rs781222802, ClinGen allele CA411101374.
Genomic context (GRCh38, chr22:28,703,565, plus strand): 5'-AATTCCAAAACAATATAATAATCTTCTGCATCAAAAAAGTTTTTAATCTTGATGATGCAA[G>A]GCTAAGAAGAGGGGGAGAAAAAAGGGAAAGTAGTGAGAAACTCCCAAGAGGAAAACCACA-3'
Protein context (NP_009125.1, residues 273-293): EIEILKKLNH[Pro283Leu]CIIKIKNFFD